The following is an entry in ClinVar:

NM_013275.6(ANKRD11):c.2189G>A (p.Arg730Lys)

Gene: ANKRD11 (ankyrin repeat domain 11; minus strand). Cytogenetic location: 16q24.3.
Variant type: single nucleotide variant.
Coding change: c.2189G>A on transcript NM_013275.6 (MANE Select); coding-DNA position 2189, G replaced by A.
Protein change: p.Arg730Lys; replaces arginine 730 with lysine.
Molecular consequence: missense variant.
Genome position (GRCh38, 1-based): chr16:89,284,353, C>T on the plus strand (G>A on the coding strand, the complement: ANKRD11 is on the minus strand). VCF-style: chr16-89284353-C-T. GRCh37 (hg19) VCF-style: chr16-89350761-C-T.
Other names: c.2189G>A, p.Arg730Lys (NM_001256182.2, NM_001256183.2); short protein forms R730K.
Identifiers: ClinVar variation 2911788 (VCV002911788.5), dbSNP rs2034496383, ClinGen allele CA397162983.
Genomic context (GRCh38, chr16:89,284,353, plus strand): 5'-TCCTTCAGCGATCTCTCCTTTTCTGCTTTATTCGAACGGTCTTTCTCTTCTCGGAAAGAC[C>T]TGCTGATGTCTTTGTTTGTGTCTTTGATTCTCTTCAGTGATTTTTCATCTTTAAAGAGCC-3'
Protein context (NP_037407.4, residues 720-740): RIKDTNKDIS[Arg730Lys]SFREEKDRSN

ClinVar aggregate classification (germline): Uncertain significance. Review status: criteria provided, multiple submitters, no conflicts (2 of 4 stars). 2 submissions from 2 submitters: Uncertain significance (2). Last evaluated 2024-03-19.

Conditions:
KBG syndrome (KBGS). Also called: ANKRD11-Related KBG Syndrome. Identifiers: Orphanet 2332, MedGen C0220687, MONDO:0007846, OMIM 148050.

gnomAD v4.1: 2 of 1,613,818 alleles (0.00012%); no homozygotes.

Submissions (2):

Women's Health and Genetics/Laboratory Corporation of America, LabCorp
Classification: Uncertain significance. Last evaluated: 2024-03-19. Review status: criteria provided, single submitter. Criteria: LabCorp Variant Classification Summary - May 2015. Collection method: clinical testing. Allele origin: germline.
Comment: Variant summary: ANKRD11 c.2189G>A (p.Arg730Lys) results in a conservative amino acid change in the encoded protein sequence. Five of five in-silico tools predict a benign effect of the variant on protein function. The variant was absent in 250460 control chromosomes. The available data on variant occurrences in the general population are insufficient to allow any conclusion about variant significance. To our knowledge, no occurrence of c.2189G>A in individuals affected with KBG Syndrome and no experimental evidence demonstrating its impact on protein function have been reported. ClinVar contains an entry for this variant (Variation ID: 2911788). Based on the evidence outlined above, the variant was classified as uncertain significance.

Labcorp Genetics (formerly Invitae), Labcorp
Classification: Uncertain significance for KBG syndrome. Last evaluated: 2023-11-27. Review status: criteria provided, single submitter. Criteria: Invitae Variant Classification Sherloc (09022015). Collection method: clinical testing. Allele origin: germline.
Comment: This sequence change replaces arginine, which is basic and polar, with lysine, which is basic and polar, at codon 730 of the ANKRD11 protein (p.Arg730Lys). This variant is not present in population databases (gnomAD no frequency). This variant has not been reported in the literature in individuals affected with ANKRD11-related conditions. Advanced modeling of protein sequence and biophysical properties (such as structural, functional, and spatial information, amino acid conservation, physicochemical variation, residue mobility, and thermodynamic stability) performed at Invitae indicates that this missense variant is not expected to disrupt ANKRD11 protein function with a negative predictive value of 95%. In summary, the available evidence is currently insufficient to determine the role of this variant in disease. Therefore, it has been classified as a Variant of Uncertain Significance.